The following is an entry in ClinVar:

ClinVar aggregate classification (germline): Uncertain significance (1 of 4 stars; one submission).

Conditions:
Neurodevelopmental disorder with or without hyperkinetic movements and seizures, autosomal dominant. Also called: Intellectual disability, autosomal dominant 8. Identifiers: MedGen C3280282, MONDO:0013655, OMIM 614254.

Submission:

Labcorp Genetics (formerly Invitae), Labcorp
Classification: Uncertain significance for Neurodevelopmental disorder with or without hyperkinetic movements and seizures, autosomal dominant. Last evaluated: 2023-11-23. Review status: criteria provided, single submitter. Criteria: Invitae Variant Classification Sherloc (09022015). Collection method: clinical testing. Allele origin: germline.
Comment: This sequence change replaces methionine, which is neutral and non-polar, with valine, which is neutral and non-polar, at codon 501 of the GRIN1 protein (p.Met501Val). This variant is not present in population databases (gnomAD no frequency). This variant has not been reported in the literature in individuals affected with GRIN1-related conditions. Advanced modeling of protein sequence and biophysical properties (such as structural, functional, and spatial information, amino acid conservation, physicochemical variation, residue mobility, and thermodynamic stability) has been performed at Invitae for this missense variant, however the output from this modeling did not meet the statistical confidence thresholds required to predict the impact of this variant on GRIN1 protein function. In summary, the available evidence is currently insufficient to determine the role of this variant in disease. Therefore, it has been classified as a Variant of Uncertain Significance.

NM_007327.4(GRIN1):c.1501A>G (p.Met501Val)

Gene: GRIN1 (glutamate ionotropic receptor NMDA type subunit 1; plus strand). Cytogenetic location: 9q34.3.
Variant type: single nucleotide variant.
Coding change: c.1501A>G on transcript NM_007327.4 (MANE Select); coding-DNA position 1501, A replaced by G.
Protein change: p.Met501Val; replaces methionine 501 with valine.
Molecular consequence: missense variant.
Genome position (GRCh38, 1-based): chr9:137,161,957, A>G. VCF-style: chr9-137161957-A-G. GRCh37 (hg19) VCF-style: chr9-140056409-A-G.
Other names: c.1501A>G, p.Met501Val (NM_000832.7, NM_021569.4); c.1564A>G, p.Met522Val (NM_001185090.2, NM_001185091.2); short protein forms M501V, M522V.
Identifiers: ClinVar variation 2697086 (VCV002697086.3), dbSNP rs2538633884, ClinGen allele CA375717122.
Genomic context (GRCh38, chr9:137,161,957, plus strand): 5'-ATGCCCGCCGGCTCTGTCGCCTCGCAGGTGAACAACAGCAACAAGAAGGAGTGGAATGGG[A>G]TGATGGGCGAGCTGCTCAGCGGGCAGGCAGACATGATCGTGGCGCCGCTAACCATAAACA-3'
Protein context (NP_015566.1, residues 491-511): NNSNKKEWNG[Met501Val]MGELLSGQAD